The following is an entry in ClinVar:

ClinVar aggregate classification (germline): Uncertain significance (1 of 4 stars; one submission).

Conditions:
Familial adenomatous polyposis 2. Also called: COLORECTAL ADENOMATOUS POLYPOSIS, AUTOSOMAL RECESSIVE; ADENOMAS, MULTIPLE COLORECTAL, AUTOSOMAL RECESSIVE; MYH-associated polyposis; MUTYH-associated polyposis; MUTYH-related attenuated familial adenomatous polyposis; MUTYH Polyposis. Identifiers: Orphanet 220460, Orphanet 247798, MedGen C3272841, MONDO:0012041, OMIM 608456.

Submission:

All of Us Research Program, National Institutes of Health
Classification: Uncertain significance for Familial adenomatous polyposis 2. Last evaluated: 2023-07-10. Review status: criteria provided, single submitter. Criteria: ACMG Guidelines, 2015. Collection method: clinical testing. Allele origin: germline. Inheritance: Autosomal recessive inheritance. Observed: 1 variant allele, 1 heterozygote.
Comment: This missense variant replaces glycine with valine at codon 178 of the MUTYH protein. Computational prediction suggests that this variant may have deleterious impact on protein structure and function (internally defined REVEL score threshold >= 0.7, PMID: 27666373). To our knowledge, functional studies have not been reported for this variant. This variant has not been reported in individuals affected with MUTYH-related disorders in the literature. This variant has not been identified in the general population by the Genome Aggregation Database (gnomAD). The available evidence is insufficient to determine the role of this variant in disease conclusively. Therefore, this variant is classified as a Variant of Uncertain Significance.

This study involves interpretation of variants in research participants for the purpose of population health screening. Participant phenotype was not available at the time of variant classification. Additional details can be found in publication PMID: 35346344, PMCID: PMC8962531

NM_001048174.2(MUTYH):c.449G>T (p.Gly150Val)

Gene: MUTYH (mutY DNA glycosylase; minus strand). Cytogenetic location: 1p34.1.
Variant type: single nucleotide variant.
Coding change: c.449G>T on transcript NM_001048174.2 (MANE Select); coding-DNA position 449, G replaced by T.
Protein change: p.Gly150Val; replaces glycine 150 with valine.
Molecular consequence: missense variant. On other transcripts: non-coding transcript variant (7).
Genome position (GRCh38, 1-based): chr1:45,332,806, C>A on the plus strand (G>T on the coding strand, the complement: MUTYH is on the minus strand). VCF-style: chr1-45332806-C-A. GRCh37 (hg19) VCF-style: chr1-45798478-C-A.
Other names: c.449G>T, p.Gly150Val (NM_001048171.2, NM_001048173.2, NM_001293195.2 and 6 more transcripts); c.452G>T, p.Gly151Val (NM_001048172.2, NM_001407086.1, NM_001407071.1 and 1 more transcripts); c.533G>T, p.Gly178Val (NM_001128425.2); c.494G>T, p.Gly165Val (NM_001293190.2); c.482G>T, p.Gly161Val (NM_001293191.2, NM_001407069.1, NM_001407077.1); c.173G>T, p.Gly58Val (NM_001293192.2, NM_001293196.2, NM_001407091.1); c.104G>T, p.Gly35Val (NM_001350650.2, NM_001350651.2, NM_001407082.1); c.491G>T, p.Gly164Val (NM_001407083.1, NM_001407085.1); and 5 more; short protein forms G122V, G136V, G137V, G150V, G151V, G157V, G161V, G164V.
Identifiers: ClinVar variation 3072384 (VCV003072384.1), dbSNP rs1553128962, ClinGen allele CA340135728.
Genomic context (GRCh38, chr1:45,332,806, plus strand): 5'-TCCTGCCATCCCCTTACCTTCCGAGCTCCCTCCTGCAGCCGCCGGCCACGAGAATAGTAG[C>A]CCAGGCCAGCCCAGAGTTGATTCACCTCCTGTGGGTAGGATCAGAGGTCAAAGAGATCAC-3'
Protein context (NP_001041639.1, residues 140-160): EEVNQLWAGL[Gly150Val]YYSRGRRLQE